The following is an entry in ClinVar:

ClinVar aggregate classification (germline): Pathogenic (1 of 4 stars; one submission).

Conditions:
Deafness. Identifiers: MedGen C0011053.

Submission:

Dubai Health Genomic Medicine Center, Dubai Health
Classification: Pathogenic for Deafness. Last evaluated: 2024-10-04. Review status: criteria provided, single submitter. Criteria: ACMG Guidelines, 2015. Collection method: research. Allele origin: germline. Affected: yes.
Comment: PVS1, PM2, PP1

NM_138691.3(TMC1):c.846dup (p.Met283fs)

Gene: TMC1 (transmembrane channel like 1; plus strand). Cytogenetic location: 9q21.13.
Variant type: Duplication.
Coding change: c.846dup on transcript NM_138691.3 (MANE Select); coding-DNA position 846, one base duplicated (T; older notation c.846dupT).
Protein change: p.Met283fs; shifts the reading frame from methionine 283.
Molecular consequence: frameshift variant.
Genome position (GRCh38, 1-based): chr9:72,772,517, T duplicated; the last of 2 consecutive T bases (chr9:72,772,516-72,772,517); duplicating either gives the same sequence. VCF-style (leftmost placement, unchanged base first): chr9-72772515-A-AT. GRCh37 (hg19) VCF-style: chr9-75387431-A-AT.
Other names: short protein forms M283fs.
Identifiers: ClinVar variation 1810252 (VCV001810252.2), dbSNP rs2489883553, ClinGen allele CA2580080547.